The following is an entry in ClinVar:

NM_001267550.2(TTN):c.22384G>C (p.Asp7462His)

Gene: TTN (titin; minus strand). Cytogenetic location: 2q31.2.
Variant type: single nucleotide variant.
Coding change: c.22384G>C on transcript NM_001267550.2 (MANE Select); coding-DNA position 22384, G replaced by C.
Protein change: p.Asp7462His; replaces aspartic acid 7462 with histidine.
Molecular consequence: missense variant. On other transcripts: intron variant (3).
Genome position (GRCh38, 1-based): chr2:178,722,403, C>G on the plus strand (G>C on the coding strand, the complement: TTN is on the minus strand). VCF-style: chr2-178722403-C-G. GRCh37 (hg19) VCF-style: chr2-179587130-C-G.
Other names: p.D7145H:GAT>CAT; c.13282+15679G>C (NM_003319.4); c.13858+15679G>C (NM_133437.4); c.13657+15679G>C (NM_133432.3); c.21433G>C, p.Asp7145His (NM_001256850.1); c.18652G>C, p.Asp6218His (NM_133378.4); short protein forms D7462H, D6218H, D7145H.
Identifiers: ClinVar variation 46698 (VCV000046698.35), dbSNP rs12693166, ClinGen allele CA282825.

ClinVar aggregate classification (germline): Benign/Likely benign. Review status: criteria provided, multiple submitters, no conflicts (2 of 4 stars). 23 submissions from 16 submitters: Benign (19); Likely benign (2). 2 of the submissions do not count toward it. Last evaluated 2026-02-04.

Conditions:
Cardiovascular phenotype. Identifiers: MedGen CN230736.
Dilated cardiomyopathy 1G (CMD1G). Identifiers: Orphanet 154, MedGen C1858763, MONDO:0011400, OMIM 604145.
Autosomal recessive limb-girdle muscular dystrophy type 2J (LGMDR10). Also called: Limb-girdle muscular dystrophy, type 2J; MUSCULAR DYSTROPHY, LIMB-GIRDLE, AUTOSOMAL RECESSIVE 10. Identifiers: Orphanet 140922, MedGen C1837342, MONDO:0012127, OMIM 608807.
Early-onset myopathy with fatal cardiomyopathy (CMYO5). Also called: CONGENITAL MYOPATHY 5 WITH CARDIOMYOPATHY; Salih Myopathy. Identifiers: Orphanet 289377, MedGen C2673677, MONDO:0012714, OMIM 611705. Disease mechanism: loss of function.
Myopathy, myofibrillar, 9, with early respiratory failure (MFM9). Also called: MYOPATHY, PROXIMAL, WITH EARLY RESPIRATORY MUSCLE INVOLVEMENT; Myopathy, distal, with early respiratory failure, autosomal dominant; Hereditary myopathy with early respiratory failure; EDSTROM MYOPATHY. Identifiers: Orphanet 178464, Orphanet 34521, MedGen C1863599, MONDO:0011362, OMIM 603689.
Tibial muscular dystrophy (TMD). Also called: Tibial muscular dystrophy, tardive; UDD MYOPATHY; Udd Distal Myopathy – Tibial Muscular Dystrophy. Identifiers: Orphanet 609, MedGen C1838244, MONDO:0010870, OMIM 600334.

Allele frequency attached by ClinVar (database versions not stated): ESP Exome Variant Server 0.15719; gnomAD 0.16435; TOPMed 0.17825; 1000 Genomes Project 30x 0.24438; 1000 Genomes Project 0.24700.
gnomAD v4.1: 265,233 of 1,612,970 alleles (16%); highest among the groups gnomAD compares: East Asian, 44%; 24,464 homozygotes.

Submissions (23):

Labcorp Genetics (formerly Invitae), Labcorp
Classification: Benign for Dilated cardiomyopathy 1G; Autosomal recessive limb-girdle muscular dystrophy type 2J. Last evaluated: 2026-02-04. Review status: criteria provided, single submitter. Criteria: Invitae Variant Classification Sherloc (09022015). Collection method: clinical testing. Allele origin: germline.

Molecular Diagnostic Laboratory for Inherited Cardiovascular Disease, Montreal Heart Institute
Classification: Benign. Last evaluated: 2025-04-09. Review status: criteria provided, single submitter. Criteria: ACMG Guidelines, 2015. Collection method: clinical testing. Allele origin: germline. Affected: no.

Genome-Nilou Lab
Classification: Benign for Autosomal recessive limb-girdle muscular dystrophy type 2J. Last evaluated: 2021-09-10. Review status: criteria provided, single submitter. Criteria: ACMG Guidelines, 2015. Collection method: clinical testing. Allele origin: germline. Affected: no.

Genome-Nilou Lab
Classification: Benign for Myopathy, myofibrillar, 9, with early respiratory failure. Last evaluated: 2021-09-10. Review status: criteria provided, single submitter. Criteria: ACMG Guidelines, 2015. Collection method: clinical testing. Allele origin: germline. Affected: no.

Genome-Nilou Lab
Classification: Benign for Early-onset myopathy with fatal cardiomyopathy. Last evaluated: 2021-09-10. Review status: criteria provided, single submitter. Criteria: ACMG Guidelines, 2015. Collection method: clinical testing. Allele origin: germline. Affected: no.

Genome-Nilou Lab
Classification: Benign for Tibial muscular dystrophy. Last evaluated: 2021-09-10. Review status: criteria provided, single submitter. Criteria: ACMG Guidelines, 2015. Collection method: clinical testing. Allele origin: germline. Affected: no.

Women's Health and Genetics/Laboratory Corporation of America, LabCorp
Classification: Likely benign. Last evaluated: 2020-08-16. Review status: criteria provided, single submitter. Criteria: LabCorp Variant Classification Summary - May 2015. Collection method: clinical testing. Allele origin: germline.

Athena Diagnostics
Classification: Benign. Last evaluated: 2018-06-21. Review status: criteria provided, single submitter. Criteria: Athena Diagnostics Criteria. Collection method: clinical testing. Allele origin: germline.

Illumina Laboratory Services, Illumina
Classification: Benign for Myopathy, myofibrillar, 9, with early respiratory failure. Last evaluated: 2018-01-13. Review status: criteria provided, single submitter. Criteria: ICSL Variant Classification Criteria 13 December 2019. Collection method: clinical testing. Allele origin: germline.
Comment: This variant was observed in the ICSL laboratory as part of a predisposition screen in an ostensibly healthy population. It had not been previously curated by ICSL or reported in the Human Gene Mutation Database (HGMD: prior to June 1st, 2018), and was therefore a candidate for classification through an automated scoring system. Utilizing variant allele frequency, disease prevalence and penetrance estimates, and inheritance mode, an automated score was calculated to assess if this variant is too frequent to cause the disease. Based on the score and internal cut-off values, a variant classified as benign is not then subjected to further curation. The score for this variant resulted in a classification of benign for this disease.

Illumina Laboratory Services, Illumina
Classification: Benign for Autosomal recessive limb-girdle muscular dystrophy type 2J. Last evaluated: 2018-01-13. Review status: criteria provided, single submitter. Criteria: ICSL Variant Classification Criteria 13 December 2019. Collection method: clinical testing. Allele origin: germline.
Comment: the same text as in the submission from Illumina Laboratory Services, Illumina above.

Illumina Laboratory Services, Illumina
Classification: Benign for Dilated cardiomyopathy 1G. Last evaluated: 2018-01-13. Review status: criteria provided, single submitter. Criteria: ICSL Variant Classification Criteria 13 December 2019. Collection method: clinical testing. Allele origin: germline.
Comment: the same text as in the submission from Illumina Laboratory Services, Illumina above.

Illumina Laboratory Services, Illumina
Classification: Benign for Early-onset myopathy with fatal cardiomyopathy. Last evaluated: 2018-01-13. Review status: criteria provided, single submitter. Criteria: ICSL Variant Classification Criteria 13 December 2019. Collection method: clinical testing. Allele origin: germline.
Comment: the same text as in the submission from Illumina Laboratory Services, Illumina above.

Illumina Laboratory Services, Illumina
Classification: Benign for Tibial muscular dystrophy. Last evaluated: 2018-01-13. Review status: criteria provided, single submitter. Criteria: ICSL Variant Classification Criteria 13 December 2019. Collection method: clinical testing. Allele origin: germline.
Comment: the same text as in the submission from Illumina Laboratory Services, Illumina above.

Mayo Clinic Laboratories, Mayo Clinic
Classification: Benign. Last evaluated: 2017-08-24. Review status: criteria provided, single submitter. Criteria: ACMG Guidelines, 2015. Collection method: clinical testing. Allele origin: germline. Observed: 754 variant alleles.

Genetic Services Laboratory, University of Chicago
Classification: Benign for AllHighlyPenetrant. Last evaluated: 2013-08-15. Review status: criteria provided, single submitter. Criteria: ACMG Guidelines, 2007. Collection method: clinical testing. Allele origin: germline.

Biesecker Lab/Clinical Genomics Section, National Institutes of Health
Classification: Benign. Last evaluated: 2013-06-24. Review status: criteria provided, single submitter. Criteria: Ng et al. (Circ Cardiovasc Genet. 2013). Collection method: research. Allele origin: unknown. Observed: 198 variant alleles. Study: ClinSeq.
Comment: The study set was not selected for affection status in relation to any cancer. Pathogenicity categories were based on literature curation. See Pubmed ID:23861362 for details.

Medical sequencing

Ambry Genetics
Classification: Benign for Cardiovascular phenotype. Last evaluated: 2013-01-16. Review status: criteria provided, single submitter. Criteria: Ambry Autosomal Dominant and X-Linked criteria (10/2015). Collection method: clinical testing. Allele origin: germline. Observed: 1 variant allele.

GeneDx
Classification: Benign. Last evaluated: 2012-10-31. Review status: criteria provided, single submitter. Criteria: GeneDx Variant Classification (06012015). Collection method: clinical testing. Allele origin: germline. Affected: yes.
Comment: This variant is considered likely benign or benign based on one or more of the following criteria: it is a conservative change, it occurs at a poorly conserved position in the protein, it is predicted to be benign by multiple in silico algorithms, and/or has population frequency not consistent with disease.

Laboratory for Molecular Medicine, Mass General Brigham Personalized Medicine
Classification: Benign. Last evaluated: 2011-12-01. Review status: criteria provided, single submitter. Criteria: LMM Criteria. Collection method: clinical testing. Allele origin: germline. Observed: 570 variant alleles.

Breakthrough Genomics
Classification: Likely benign. Review status: criteria provided, single submitter. Criteria: ACMG Guidelines, 2015. Collection method: not provided. Allele origin: germline. Inheritance: Autosomal recessive inheritance. Affected: yes.

PreventionGenetics, part of Exact Sciences
Classification: Benign. Review status: criteria provided, single submitter. Criteria: ACMG Guidelines, 2015. Collection method: clinical testing. Allele origin: germline.

Clinical Genetics DNA and cytogenetics Diagnostics Lab, Erasmus MC, Erasmus Medical Center
Classification: Benign. Review status: no assertion criteria provided. Collection method: clinical testing. Allele origin: germline. Affected: yes. Study: VKGL Data-share Consensus. Not counted in ClinVar's aggregate classification.

Clinical Genetics, Academic Medical Center
Classification: Benign. Review status: no assertion criteria provided. Collection method: clinical testing. Allele origin: germline. Affected: yes. Study: VKGL Data-share Consensus. Not counted in ClinVar's aggregate classification.